The following is an entry in ClinVar:

NM_198834.3(ACACA):c.5020C>A (p.Leu1674Met)

Gene: ACACA (acetyl-CoA carboxylase alpha; minus strand). Cytogenetic location: 17q12.
Variant type: single nucleotide variant.
Coding change: c.5020C>A on transcript NM_198834.3 (MANE Select); coding-DNA position 5020, C replaced by A.
Protein change: p.Leu1674Met; replaces leucine 1674 with methionine.
Molecular consequence: missense variant.
Genome position (GRCh38, 1-based): chr17:37,179,319, G>T on the plus strand (C>A on the coding strand, the complement: ACACA is on the minus strand). VCF-style: chr17-37179319-G-T. GRCh37 (hg19) VCF-style: chr17-35536260-G-T.
Other names: c.4909C>A, p.Leu1637Met (NM_198836.3, NM_198839.3); c.4735C>A, p.Leu1579Met (NM_198837.2); c.4675C>A, p.Leu1559Met (NM_198838.2); short protein forms L1579M, L1674M, L1559M, L1637M.
Identifiers: ClinVar variation 1905753 (VCV001905753.5), dbSNP rs765118811, ClinGen allele CA399183076.
Genomic context (GRCh38, chr17:37,179,319, plus strand): 5'-CCTCATTTCCTCCTGGAAGCCTGTTCATGTGGACCAGCTGACCTTGATCATCCAGTACCA[G>T]TTCAGTGTAAGTCAGCATGTCAGAAGGCAGAGGGGGAGATGGAAGAAATGCTTGAGTGGA-3'
Protein context (NP_942131.1, residues 1664-1684): LPSDMLTYTE[Leu1674Met]VLDDQGQLVH

ClinVar aggregate classification (germline): Uncertain significance (1 of 4 stars; one submission).

gnomAD v4.1: 5 of 1,614,032 alleles (0.00031%); highest among the groups gnomAD compares: Non-Finnish European, 0.00042%; no homozygotes.

Submission:

Labcorp Genetics (formerly Invitae), Labcorp
Classification: Uncertain significance. Last evaluated: 2025-11-10. Review status: criteria provided, single submitter. Criteria: Invitae Variant Classification Sherloc (09022015). Collection method: clinical testing. Allele origin: germline.
Comment: This sequence change replaces leucine, which is neutral and non-polar, with methionine, which is neutral and non-polar, at codon 1637 of the ACACA protein (p.Leu1637Met). This variant is not present in population databases (gnomAD no frequency). This variant has not been reported in the literature in individuals affected with ACACA-related conditions. ClinVar contains an entry for this variant (Variation ID: 1905753). An algorithm developed to predict the effect of missense changes on protein structure and function (PolyPhen-2) suggests that this variant is likely to be disruptive. In summary, the available evidence is currently insufficient to determine the role of this variant in disease. Therefore, it has been classified as a Variant of Uncertain Significance.